The following is an entry in ClinVar:

NM_032043.3(BRIP1):c.949C>T (p.His317Tyr)

Gene: BRIP1 (BRCA1 interacting DNA helicase 1; minus strand). Cytogenetic location: 17q23.2.
Variant type: single nucleotide variant.
Coding change: c.949C>T on transcript NM_032043.3 (MANE Select); coding-DNA position 949, C replaced by T.
Protein change: p.His317Tyr; replaces histidine 317 with tyrosine.
Molecular consequence: missense variant.
Genome position (GRCh38, 1-based): chr17:61,801,444, G>A on the plus strand (C>T on the coding strand, the complement: BRIP1 is on the minus strand). VCF-style: chr17-61801444-G-A. GRCh37 (hg19) VCF-style: chr17-59878805-G-A.
Other names: short protein forms H317Y.
Identifiers: ClinVar variation 2449913 (VCV002449913.3), dbSNP rs2145341553, ClinGen allele CA400484261.

ClinVar aggregate classification (germline): Uncertain significance (1 of 4 stars; one submission).

Conditions:
Hereditary cancer-predisposing syndrome. Also called: Neoplastic Syndromes, Hereditary; Tumor predisposition; Hereditary neoplastic syndrome; Hereditary Cancer Syndrome. Identifiers: Orphanet 140162, MedGen C0027672, MeSH D009386, MONDO:0015356.

Submission:

Ambry Genetics
Classification: Uncertain significance for Hereditary cancer-predisposing syndrome. Last evaluated: 2025-09-17. Review status: criteria provided, single submitter. Criteria: Ambry Variant Classification Scheme 2023. Collection method: clinical testing. Allele origin: germline.
Comment: The p.H317Y variant (also known as c.949C>T), located in coding exon 7 of the BRIP1 gene, results from a C to T substitution at nucleotide position 949. The histidine at codon 317 is replaced by tyrosine, an amino acid with similar properties. This amino acid position is conserved. In addition, this alteration is predicted to be tolerated by in silico analysis. Since supporting evidence is limited at this time, the clinical significance of this alteration remains unclear.